The following is an entry in ClinVar:

ClinVar aggregate classification (germline): Uncertain significance. Review status: criteria provided, multiple submitters, no conflicts (2 of 4 stars). 2 submissions from 2 submitters: Uncertain significance (2). Last evaluated 2025-09-02.

Conditions:
Retinal dystrophy. Also called: Inherited retinal dystrophy. Identifiers: Orphanet 71862, MedGen C0854723, MeSH D058499, MONDO:0019118, HP:0000556.

Allele frequency attached by ClinVar (database versions not stated): TOPMed below 0.00001; gnomAD 0.00001; gnomAD exomes 0.00002.

Submissions (2):

Labcorp Genetics (formerly Invitae), Labcorp
Classification: Uncertain significance. Last evaluated: 2025-09-02. Review status: criteria provided, single submitter. Criteria: Invitae Variant Classification Sherloc (09022015). Collection method: clinical testing. Allele origin: germline.
Comment: This sequence change replaces methionine, which is neutral and non-polar, with threonine, which is neutral and polar, at codon 1147 of the ADGRA3 protein (p.Met1147Thr). This variant is not present in population databases (gnomAD no frequency). This variant has not been reported in the literature in individuals affected with ADGRA3-related conditions. ClinVar contains an entry for this variant (Variation ID: 1473054). An algorithm developed to predict the effect of missense changes on protein structure and function (PolyPhen-2) suggests that this variant is likely to be tolerated. In summary, the available evidence is currently insufficient to determine the role of this variant in disease. Therefore, it has been classified as a Variant of Uncertain Significance.

Dept Of Ophthalmology, Nagoya University
Classification: Uncertain significance for Retinal dystrophy. Last evaluated: 2023-10-01. Review status: criteria provided, single submitter. Criteria: Submitter's publication. Collection method: research. Allele origin: germline. Affected: yes.

NM_145290.4(ADGRA3):c.3440T>C (p.Met1147Thr)

Gene: ADGRA3 (adhesion G protein-coupled receptor A3; minus strand). Cytogenetic location: 4p15.2.
Variant type: single nucleotide variant.
Coding change: c.3440T>C on transcript NM_145290.4 (MANE Select); coding-DNA position 3440, T replaced by C.
Protein change: p.Met1147Thr; replaces methionine 1147 with threonine.
Molecular consequence: missense variant.
Genome position (GRCh38, 1-based): chr4:22,388,231, A>G on the plus strand (T>C on the coding strand, the complement: ADGRA3 is on the minus strand). VCF-style: chr4-22388231-A-G. GRCh37 (hg19) VCF-style: chr4-22389854-A-G.
Other names: short protein forms M1147T.
Identifiers: ClinVar variation 1473054 (VCV001473054.9), dbSNP rs909429953, ClinGen allele CA93480134.